The following is an entry in ClinVar:

ClinVar aggregate classification (germline): Benign. Review status: criteria provided, multiple submitters, no conflicts (2 of 4 stars). 3 submissions from 3 submitters: Benign (2). 1 of the submissions does not count toward it. Last evaluated 2026-01-15.

Conditions:
EPRS1-related disorder. Also called: EPRS1-related condition.

Allele frequency attached by ClinVar (database versions not stated): gnomAD exomes 0.00179; ExAC 0.00192; gnomAD 0.00610 and 0.00652; ESP Exome Variant Server 0.00623; TOPMed 0.00717; 1000 Genomes Project 0.00779; 1000 Genomes Project 30x 0.00874.
gnomAD v4.1: 1,939 of 1,613,286 alleles (0.12%); highest among the groups gnomAD compares: African/African-American, 2.1%; 20 homozygotes.

Submissions (3):

Labcorp Genetics (formerly Invitae), Labcorp
Classification: Benign. Last evaluated: 2026-01-15. Review status: criteria provided, single submitter. Criteria: Invitae Variant Classification Sherloc (09022015). Collection method: clinical testing. Allele origin: germline.

Breakthrough Genomics
Classification: Benign. Review status: criteria provided, single submitter. Criteria: ACMG Guidelines, 2015. Collection method: not provided. Allele origin: germline. Inheritance: Autosomal recessive inheritance. Affected: yes.

PreventionGenetics, part of Exact Sciences
Classification: Benign for EPRS1-related condition. Last evaluated: 2019-09-11. Review status: no assertion criteria provided. Collection method: clinical testing. Allele origin: germline. Not counted in ClinVar's aggregate classification.
Comment: This variant is classified as benign based on ACMG/AMP sequence variant interpretation guidelines (Richards et al. 2015 PMID: 25741868, with internal and published modifications).

NM_004446.3(EPRS1):c.886G>C (p.Ala296Pro)

Gene: EPRS1 (glutamyl-prolyl-tRNA synthetase 1; minus strand). Cytogenetic location: 1q41.
Variant type: single nucleotide variant.
Coding change: c.886G>C on transcript NM_004446.3 (MANE Select); coding-DNA position 886, G replaced by C.
Protein change: p.Ala296Pro; replaces alanine 296 with proline.
Molecular consequence: missense variant.
Genome position (GRCh38, 1-based): chr1:220,024,321, C>G on the plus strand (G>C on the coding strand, the complement: EPRS1 is on the minus strand). VCF-style: chr1-220024321-C-G. GRCh37 (hg19) VCF-style: chr1-220197663-C-G.
Other names: short protein forms A296P.
Identifiers: ClinVar variation 789956 (VCV000789956.13), dbSNP rs35999099, ClinGen allele CA1400432.